The following is an entry in ClinVar:

ClinVar aggregate classification (germline): Pathogenic. Review status: reviewed by expert panel (3 of 4 stars). 4 submissions from 4 submitters: Pathogenic (1). 3 of the submissions do not count toward it. Last evaluated 2013-09-05.

Conditions:
Lynch syndrome. Identifiers: Orphanet 144, MedGen C4552100, MONDO:0005835. Disease mechanism: loss of function.
Lynch syndrome 5 (LYNCH5). Also called: Colorectal cancer, hereditary nonpolyposis, type 5; Hereditary non-polyposis colorectal cancer, type 5. Identifiers: Orphanet 144, MedGen C1833477, MONDO:0013710, OMIM 614350. Disease mechanism: loss of function.
Hereditary nonpolyposis colorectal neoplasms. Identifiers: MedGen C0009405, MeSH D003123.
Hereditary cancer-predisposing syndrome. Also called: Tumor predisposition; Hereditary Cancer Syndrome; Hereditary neoplastic syndrome; Neoplastic Syndromes, Hereditary. Identifiers: Orphanet 140162, MedGen C0027672, MeSH D009386, MONDO:0015356.

Submissions (4):

International Society for Gastrointestinal Hereditary Tumours (InSiGHT)
Classification: Pathogenic for Lynch Syndrome. Last evaluated: 2013-09-05. Review status: reviewed by expert panel. Criteria: Guidelines v1.9. Collection method: research. Allele origin: germline.
Comment: Coding sequence variation resulting in a stop codon

Classified with v1.9 guidelines

Labcorp Genetics (formerly Invitae), Labcorp
Classification: Pathogenic for Hereditary nonpolyposis colorectal neoplasms. Last evaluated: 2023-10-14. Review status: criteria provided, single submitter. Criteria: Invitae Variant Classification Sherloc (09022015). Collection method: clinical testing. Allele origin: germline. Not counted in ClinVar's aggregate classification.
Comment: This sequence change creates a premature translational stop signal (p.Gly624Alafs*11) in the MSH6 gene. It is expected to result in an absent or disrupted protein product. Loss-of-function variants in MSH6 are known to be pathogenic (PMID: 18269114, 24362816). This variant is not present in population databases (gnomAD no frequency). This premature translational stop signal has been observed in individual(s) with Lynch syndrome (PMID: 20028993). ClinVar contains an entry for this variant (Variation ID: 89230). For these reasons, this variant has been classified as Pathogenic.

Myriad Genetics, Inc.
Classification: Pathogenic for Lynch syndrome 5. Last evaluated: 2023-08-16. Review status: criteria provided, single submitter. Criteria: Myriad Autosomal Dominant, Autosomal Recessive and X-Linked Classification Criteria (2023). Collection method: clinical testing. Allele origin: unknown. Not counted in ClinVar's aggregate classification.
Comment: This variant is considered pathogenic. This variant creates a frameshift predicted to result in premature protein truncation.

Ambry Genetics
Classification: Pathogenic for Hereditary cancer-predisposing syndrome. Last evaluated: 2020-09-17. Review status: criteria provided, single submitter. Criteria: Ambry Variant Classification Scheme 2023. Collection method: clinical testing. Allele origin: germline. Not counted in ClinVar's aggregate classification.
Comment: The c.1869delC pathogenic mutation, located in coding exon 4 of the MSH6 gene, results from a deletion of one nucleotide at nucleotide position 1869, causing a translational frameshift with a predicted alternate stop codon (p.G624Afs*11). This alteration is expected to result in loss of function by premature protein truncation or nonsense-mediated mRNA decay. As such, this alteration is interpreted as a disease-causing mutation.

Literature cited by the submitters: PubMed 18269114 (cited by Labcorp Genetics (formerly Invitae), Labcorp); PubMed 24362816 (cited by Labcorp Genetics (formerly Invitae), Labcorp); PubMed 20028993 (cited by Labcorp Genetics (formerly Invitae), Labcorp).

NM_000179.3(MSH6):c.1869del (p.Gly624fs)

Gene: MSH6 (mutS homolog 6; plus strand). Cytogenetic location: 2p16.3.
Variant type: Deletion.
Coding change: c.1869del on transcript NM_000179.3 (MANE Select); coding-DNA position 1869, one base deleted (C; older notation c.1869delC).
Protein change: p.Gly624fs; shifts the reading frame from glycine 624.
Molecular consequence: frameshift variant.
Genome position (GRCh38, 1-based): chr2:47,799,852, C deleted; the last of 3 consecutive C bases (chr2:47,799,850-47,799,852); deleting any one gives the same sequence. VCF-style (leftmost placement, unchanged base first): chr2-47799849-AC-A. GRCh37 (hg19) VCF-style: chr2-48026988-AC-A.
Other names: c.1479del, p.Gly494fs (NM_001281492.2); c.963del, p.Gly322fs (NM_001281493.2, NM_001281494.2); short protein forms G322fs, G494fs.
Identifiers: ClinVar variation 89230 (VCV000089230.8), dbSNP rs71539659, ClinGen allele CA009372.
Genomic context (GRCh38, chr2:47,799,849, plus strand): 5'-AAAGGAAACTAAAACAATTCTAAAGAGTTCATTGTCCTGTTCTCTTCAGGAAGGTCTGAT[AC>A]CCGGCTCCCAGTTTTGGGATGCATCCAAAACTTTGAGAACTCTCCTTGAGGAAGAATATT-3'